The following is an entry in ClinVar:

NM_000463.3(UGT1A1):c.1475T>C (p.Ile492Thr)

Genes: UGT1A1 (UDP glucuronosyltransferase family 1 member A1; plus strand), UGT1A10 (UDP glucuronosyltransferase family 1 member A10; plus strand), UGT1A3 (UDP glucuronosyltransferase family 1 member A3; plus strand), UGT1A4 (UDP glucuronosyltransferase family 1 member A4; plus strand), UGT1A6 (UDP glucuronosyltransferase family 1 member A6; plus strand) and 5 more. Cytogenetic location: 2q37.1.
Variant type: single nucleotide variant.
Coding change: c.1475T>C on transcript NM_000463.3 (MANE Select); coding-DNA position 1475, T replaced by C.
Protein change: p.Ile492Thr; replaces isoleucine 492 with threonine.
Molecular consequence: missense variant.
Genome position (GRCh38, 1-based): chr2:233,772,432, T>C. VCF-style: chr2-233772432-T-C. GRCh37 (hg19) VCF-style: chr2-234681078-T-C.
Other names: c.1466T>C, p.Ile489Thr (NM_019075.4, NM_019076.5, NM_019077.3 and 1 more transcripts); c.1472T>C, p.Ile491Thr (NM_001072.4); c.671T>C, p.Ile224Thr (NM_205862.3); c.1478T>C, p.Ile493Thr (NM_019078.2, NM_007120.3, NM_019093.4); short protein forms I489T, I492T, I493T, I224T, I491T.
Identifiers: ClinVar variation 1390194 (VCV001390194.6), dbSNP rs771600393, ClinGen allele CA2180138.

ClinVar aggregate classification (germline): Uncertain significance (1 of 4 stars; one submission).

Allele frequency attached by ClinVar (database versions not stated): gnomAD exomes below 0.00001; ExAC 0.00001.
gnomAD v4.1: 7 of 1,614,238 alleles (0.00043%); highest among the groups gnomAD compares: Middle Eastern, 0.016%; no homozygotes.

Submission:

Labcorp Genetics (formerly Invitae), Labcorp
Classification: Uncertain significance. Last evaluated: 2021-04-06. Review status: criteria provided, single submitter. Criteria: Invitae Variant Classification Sherloc (09022015). Collection method: clinical testing. Allele origin: germline.
Comment: In summary, the available evidence is currently insufficient to determine the role of this variant in disease. Therefore, it has been classified as a Variant of Uncertain Significance. Algorithms developed to predict the effect of missense changes on protein structure and function are either unavailable or do not agree on the potential impact of this missense change (SIFT: "Not Available"; PolyPhen-2: "Probably Damaging"; Align-GVGD: "Not Available"). This variant has not been reported in the literature in individuals with UGT1A1-related conditions. This variant is present in population databases (rs771600393, ExAC 0.001%). This sequence change replaces isoleucine with threonine at codon 492 of the UGT1A1 protein (p.Ile492Thr). The isoleucine residue is moderately conserved and there is a moderate physicochemical difference between isoleucine and threonine.